The following is an entry in ClinVar:

NM_003659.4(AGPS):c.192G>C (p.Ala64=)

Genes: AGPS (alkylglycerone phosphate synthase; plus strand), LOC129935172 (ATAC-STARR-seq lymphoblastoid silent region 12147; plus strand). Cytogenetic location: 2q31.2.
Variant type: single nucleotide variant.
Coding change: c.192G>C on transcript NM_003659.4 (MANE Select); coding-DNA position 192, G replaced by C.
Protein change: p.Ala64=; no amino-acid change (alanine 64 retained).
Molecular consequence: synonymous variant.
Genome position (GRCh38, 1-based): chr2:177,392,981, G>C. VCF-style: chr2-177392981-G-C. GRCh37 (hg19) VCF-style: chr2-178257709-G-C.
Other names: c.192G>C (NM_003659.3).
Identifiers: ClinVar variation 1124589 (VCV001124589.11), dbSNP rs1218586614, ClinGen allele CA430199443.

ClinVar aggregate classification (germline): Likely benign. Review status: criteria provided, single submitter (1 of 4 stars). 2 submissions from 2 submitters: Likely benign (1). 1 of the submissions does not count toward it. Last evaluated 2023-10-17.

Conditions:
AGPS-related disorder. Also called: AGPS-related condition.

Submissions (2):

Labcorp Genetics (formerly Invitae), Labcorp
Classification: Likely benign. Last evaluated: 2023-10-17. Review status: criteria provided, single submitter. Criteria: Invitae Variant Classification Sherloc (09022015). Collection method: clinical testing. Allele origin: germline.

PreventionGenetics, part of Exact Sciences
Classification: Likely benign for AGPS-related condition. Last evaluated: 2019-09-10. Review status: no assertion criteria provided. Collection method: clinical testing. Allele origin: germline. Not counted in ClinVar's aggregate classification.
Comment: This variant is classified as likely benign based on ACMG/AMP sequence variant interpretation guidelines (Richards et al. 2015 PMID: 25741868, with internal and published modifications).